The following is an entry in ClinVar:

NM_001286.5(CLCN6):c.1442G>A (p.Gly481Asp)

Gene: CLCN6 (Cl-/H+ antiporter 6; plus strand). Cytogenetic location: 1p36.22.
Variant type: single nucleotide variant.
Coding change: c.1442G>A on transcript NM_001286.5 (MANE Select); coding-DNA position 1442, G replaced by A.
Protein change: p.Gly481Asp; replaces glycine 481 with aspartic acid.
Molecular consequence: missense variant. On other transcripts: non-coding transcript variant (1).
Genome position (GRCh38, 1-based): chr1:11,833,946, G>A. VCF-style: chr1-11833946-G-A. GRCh37 (hg19) VCF-style: chr1-11894003-G-A.
Other names: c.1376G>A, p.Gly459Asp (NM_001256959.2); short protein forms G459D, G481D.
Identifiers: ClinVar variation 4869013 (VCV004869013.1).

ClinVar aggregate classification (germline): Uncertain significance (1 of 4 stars; one submission).

gnomAD v4.1: 1 of 1,614,020 alleles (0.000062%); highest among the groups gnomAD compares: East Asian, 0.0022%; no homozygotes.

Submission:

Ambry Genetics
Classification: Uncertain significance. Last evaluated: 2026-04-06. Review status: criteria provided, single submitter. Criteria: Ambry Variant Classification Scheme 2023. Collection method: clinical testing. Allele origin: germline.
Comment: The c.1442G>A (p.G481D) alteration is located in exon 15 (coding exon 15) of the CLCN6 gene. This alteration results from a G to A substitution at nucleotide position 1442, causing the glycine (G) at amino acid position 481 to be replaced by an aspartic acid (D). This variant was not reported in population-based cohorts in the Genome Aggregation Database (gnomAD). This amino acid position is highly conserved in available vertebrate species. This alteration is predicted to be deleterious by in silico analysis. Based on insufficient or conflicting evidence, the clinical significance of this alteration remains unclear.